The following is an entry in ClinVar:

ClinVar aggregate classification (germline): Uncertain significance (1 of 4 stars; one submission).

gnomAD v4.1: 1 of 1,611,662 alleles (0.000062%); no homozygotes.

Submission:

GeneDx
Classification: Uncertain significance. Last evaluated: 2025-12-08. Review status: criteria provided, single submitter. Criteria: GeneDx Variant Classification Process June 2021. Collection method: clinical testing. Allele origin: germline.
Comment: Not observed at significant frequency in large population cohorts (gnomAD); In silico analysis suggests that this missense variant does not alter protein structure/function; Has not been previously published as pathogenic or benign to our knowledge; In silico analysis is inconclusive as to whether the variant alters gene splicing. In the absence of RNA/functional studies, the actual effect of this sequence change is unknown.

NM_001130823.3(DNMT1):c.3268G>A (p.Val1090Met)

Gene: DNMT1 (DNA methyltransferase 1; minus strand). Cytogenetic location: 19p13.2.
Variant type: single nucleotide variant.
Coding change: c.3268G>A on transcript NM_001130823.3 (MANE Select); coding-DNA position 3268, G replaced by A.
Protein change: p.Val1090Met; replaces valine 1090 with methionine.
Molecular consequence: missense variant.
Genome position (GRCh38, 1-based): chr19:10,142,069, C>T on the plus strand (G>A on the coding strand, the complement: DNMT1 is on the minus strand). VCF-style: chr19-10142069-C-T. GRCh37 (hg19) VCF-style: chr19-10252745-C-T.
Other names: c.3220G>A, p.Val1074Met (NM_001318730.2, NM_001379.4); c.2905G>A, p.Val969Met (NM_001318731.2); short protein forms V1074M, V1090M, V969M.
Identifiers: ClinVar variation 3364361 (VCV003364361.2).